The following is an entry in ClinVar:

NM_000219.6(KCNE1):c.12T>A (p.Ser4=)

Gene: KCNE1 (potassium voltage-gated channel subfamily E regulatory subunit 1; minus strand). Cytogenetic location: 21q22.12.
Variant type: single nucleotide variant.
Coding change: c.12T>A on transcript NM_000219.6 (MANE Select); coding-DNA position 12, T replaced by A.
Protein change: p.Ser4=; no amino-acid change (serine 4 retained).
Molecular consequence: synonymous variant.
Genome position (GRCh38, 1-based): chr21:34,449,623, A>T on the plus strand (T>A on the coding strand, the complement: KCNE1 is on the minus strand). VCF-style: chr21-34449623-A-T. GRCh37 (hg19) VCF-style: chr21-35821921-A-T.
Other names: c.12T>A, p.Ser4= (NM_001127668.4, NM_001127669.4, NM_001127670.4 and 4 more transcripts).
Identifiers: ClinVar variation 3374089 (VCV003374089.2).

Conditions:
Long QT syndrome 5 (LQT5). Identifiers: Orphanet 101016, Orphanet 768, MedGen C1867904, MONDO:0013372, OMIM 613695.

Submission:

Roden Lab, Vanderbilt University Medical Center
No classification provided (evidence only). Condition: Long QT syndrome 5. Review status: no classification provided. Collection method: in vitro. Allele origin: not applicable. Functional consequence: Effect on ion channel function.
ClinVar note: "not provided" was previously submitted as the classification for the variant. However, the classification appeared to be based only on an observation of functional data so it was converted to no classification on 2025-07-30.